The following is an entry in ClinVar:

NM_000083.3(CLCN1):c.431A>G (p.Gln144Arg)

Gene: CLCN1 (chloride voltage-gated channel 1; plus strand). Cytogenetic location: 7q34.
Variant type: single nucleotide variant.
Coding change: c.431A>G on transcript NM_000083.3 (MANE Select); coding-DNA position 431, A replaced by G.
Protein change: p.Gln144Arg; replaces glutamine 144 with arginine.
Molecular consequence: missense variant. On other transcripts: non-coding transcript variant (1).
Genome position (GRCh38, 1-based): chr7:143,320,793, A>G. VCF-style: chr7-143320793-A-G. GRCh37 (hg19) VCF-style: chr7-143017886-A-G.
Other names: short protein forms Q144R.
Identifiers: ClinVar variation 2927688 (VCV002927688.3), dbSNP rs754142595, ClinGen allele CA4536933.

ClinVar aggregate classification (germline): Uncertain significance (1 of 4 stars; one submission).

Conditions:
Congenital myotonia, autosomal dominant form (THD). Also called: THOMSEN DISEASE; Myotonia congenita autosomal dominant. Identifiers: Orphanet 614, MedGen C2936781, MONDO:0008055, OMIM 160800.
Congenital myotonia, autosomal recessive form. Also called: BECKER DISEASE; Becker Generalized Myotonia; myotonia congenita, autosomal recessive. Identifiers: Orphanet 614, MedGen C0751360, MONDO:0009715, OMIM 255700.

Allele frequency attached by ClinVar (database versions not stated): gnomAD 0.00001; ExAC 0.00002.
gnomAD v4.1: 7 of 1,613,922 alleles (0.00043%); highest among the groups gnomAD compares: Non-Finnish European, 0.00059%; no homozygotes.

Submission:

Labcorp Genetics (formerly Invitae), Labcorp
Classification: Uncertain significance for Congenital myotonia, autosomal recessive form; Congenital myotonia, autosomal dominant form. Last evaluated: 2024-01-04. Review status: criteria provided, single submitter. Criteria: Invitae Variant Classification Sherloc (09022015). Collection method: clinical testing. Allele origin: germline.
Comment: This sequence change replaces glutamine, which is neutral and polar, with arginine, which is basic and polar, at codon 144 of the CLCN1 protein (p.Gln144Arg). This variant is present in population databases (rs754142595, gnomAD 0.003%). This variant has not been reported in the literature in individuals affected with CLCN1-related conditions. An algorithm developed to predict the effect of missense changes on protein structure and function (PolyPhen-2) suggests that this variant is likely to be tolerated. Algorithms developed to predict the effect of sequence changes on RNA splicing suggest that this variant may create or strengthen a splice site. In summary, the available evidence is currently insufficient to determine the role of this variant in disease. Therefore, it has been classified as a Variant of Uncertain Significance.